The following is an entry in ClinVar:

NC_000006.12:g.(?_49456070)_(49456247_?)del

Gene: MMUT (methylmalonyl-CoA mutase; minus strand). Cytogenetic location: 6p12.3.
Variant type: Deletion.
Identifiers: ClinVar variation 641563 (VCV000641563.7).

ClinVar aggregate classification (germline): Pathogenic. Review status: criteria provided, single submitter (1 of 4 stars). 2 submissions from 1 submitter: Pathogenic (1). 1 of the submissions does not count toward it. Last evaluated 2022-09-01.

Conditions:
Methylmalonic aciduria due to methylmalonyl-CoA mutase deficiency (MAMM). Also called: Methylmalonic aciduria, mut type. Identifiers: Orphanet 27, MedGen C1855114, MONDO:0009612, OMIM 251000.

Submissions (2):

Labcorp Genetics (formerly Invitae), Labcorp
Classification: Pathogenic. Last evaluated: 2022-09-01. Review status: criteria provided, single submitter. Criteria: Invitae Variant Classification Sherloc (09022015). Collection method: clinical testing. Allele origin: germline.
Comment: This variant is a gross deletion of the genomic region encompassing exon(s) 4 of the MUT gene. This deletion is out-of-frame, and is expected to create a premature termination codon and result in an absent or disrupted protein product. Loss-of-function variants in MUT are known to be pathogenic (PMID: 15781192). This variant has not been reported in the literature in individuals affected with MUT-related conditions. For these reasons, this variant has been classified as Pathogenic.

Labcorp Genetics (formerly Invitae), Labcorp
Classification: Pathogenic for Methylmalonic aciduria due to methylmalonyl-CoA mutase deficiency. Last evaluated: 2019-01-12. Review status: flagged submission. Criteria: Invitae Variant Classification Sherloc (09022015). Collection method: clinical testing. Allele origin: germline. Not counted in ClinVar's aggregate classification.
Comment: This variant is an out-of-frame deletion of the genomic region encompassing exon 4 of the MUT gene. This is expected to create a premature translational stop signal and result in an absent or disrupted protein product. This variant has not been reported in the literature in individuals with MUT-related conditions. Loss-of-function variants in MUT are known to be pathogenic (PMID: 15781192). For these reasons, this variant has been classified as Pathogenic.
ClinVar note: Reason: This record appears to be redundant with a more recent record from the same submitter.
ClinVar note: Notes: SCV000934261 appears to be redundant with SCV001580049.

Literature cited by the submitters: PubMed 15781192.